The following is an entry in ClinVar:

NM_019066.5(MAGEL2):c.515C>T (p.Pro172Leu)

Gene: MAGEL2 (MAGE family member L2; minus strand). Cytogenetic location: 15q11.2.
Variant type: single nucleotide variant.
Coding change: c.515C>T on transcript NM_019066.5 (MANE Select); coding-DNA position 515, C replaced by T.
Protein change: p.Pro172Leu; replaces proline 172 with leucine.
Molecular consequence: missense variant.
Genome position (GRCh38, 1-based): chr15:23,647,228, G>A on the plus strand (C>T on the coding strand, the complement: MAGEL2 is on the minus strand). VCF-style: chr15-23647228-G-A. GRCh37 (hg19) VCF-style: chr15-23892375-G-A.
Other names: short protein forms P172L.
Identifiers: ClinVar variation 4994089 (VCV004994089.1).

ClinVar aggregate classification (germline): Uncertain significance (1 of 4 stars; one submission).

Conditions:
MAGEL2-related disorder. Also called: MAGEL2-related condition.

Submission:

PreventionGenetics, part of Exact Sciences
Classification: Uncertain significance for MAGEL2-related condition. Last evaluated: 2026-09-09. Review status: criteria provided, single submitter. Criteria: ACMG Guidelines, 2015. Collection method: clinical testing. Allele origin: germline.
Comment: The MAGEL2 c.515C>T variant is predicted to result in the amino acid substitution p.Pro172Leu. To our knowledge, this variant has not been reported in the literature or in a large population database (gnomAD), indicating this variant is rare. At this time, the clinical significance of this variant is uncertain due to the absence of conclusive functional and genetic evidence.